The following is an entry in ClinVar:

NM_001303256.3(MORC2):c.2962C>T (p.Arg988Cys)

Gene: MORC2 (MORC family CW-type zinc finger 2; minus strand). Cytogenetic location: 22q12.2.
Variant type: single nucleotide variant.
Coding change: c.2962C>T on transcript NM_001303256.3 (MANE Select); coding-DNA position 2962, C replaced by T.
Protein change: p.Arg988Cys; replaces arginine 988 with cysteine.
Molecular consequence: missense variant.
Genome position (GRCh38, 1-based): chr22:30,928,087, G>A on the plus strand (C>T on the coding strand, the complement: MORC2 is on the minus strand). VCF-style: chr22-30928087-G-A. GRCh37 (hg19) VCF-style: chr22-31324074-G-A.
Other names: c.2962C>T, p.Arg988Cys (NM_001303257.2); c.2776C>T, p.Arg926Cys (NM_014941.3); short protein forms R926C, R988C.
Identifiers: ClinVar variation 1389404 (VCV001389404.8), dbSNP rs748910060, ClinGen allele CA10186506.

ClinVar aggregate classification (germline): Conflicting classifications of pathogenicity. Review status: criteria provided, conflicting classifications (1 of 4 stars). 2 submissions from 2 submitters: Uncertain significance (1); Likely benign (1). Last evaluated 2026-06-01.

Conditions:
Charcot-Marie-Tooth disease axonal type 2Z. Also called: CHARCOT-MARIE-TOOTH DISEASE, AXONAL, AUTOSOMAL DOMINANT, TYPE 2Z; CHARCOT-MARIE-TOOTH NEUROPATHY, TYPE 2Z. Identifiers: Orphanet 466768, MedGen C5569025, MONDO:0014736, OMIM 616688.

Allele frequency attached by ClinVar (database versions not stated): gnomAD exomes below 0.00001 and 0.00001; ExAC 0.00001; TOPMed 0.00002.
gnomAD v4.1: 7 of 1,614,050 alleles (0.00043%); highest among the groups gnomAD compares: East Asian, 0.0022%; no homozygotes.

Submissions (2):

CeGaT Center for Human Genetics Tuebingen
Classification: Likely benign. Last evaluated: 2026-06-01. Review status: criteria provided, single submitter. Criteria: CeGaT Center For Human Genetics Tuebingen Variant Classification Criteria Version 2. Collection method: clinical testing. Allele origin: germline. Affected: yes. Observed: 1 variant allele.
Comment: MORC2: BP4

Labcorp Genetics (formerly Invitae), Labcorp
Classification: Uncertain significance for Charcot-Marie-Tooth disease axonal type 2Z. Last evaluated: 2023-06-17. Review status: criteria provided, single submitter. Criteria: Invitae Variant Classification Sherloc (09022015). Collection method: clinical testing. Allele origin: germline.
Comment: In summary, the available evidence is currently insufficient to determine the role of this variant in disease. Therefore, it has been classified as a Variant of Uncertain Significance. Advanced modeling of protein sequence and biophysical properties (such as structural, functional, and spatial information, amino acid conservation, physicochemical variation, residue mobility, and thermodynamic stability) performed at Invitae indicates that this missense variant is not expected to disrupt MORC2 protein function. ClinVar contains an entry for this variant (Variation ID: 1389404). This variant has not been reported in the literature in individuals affected with MORC2-related conditions. This variant is present in population databases (rs748910060, gnomAD 0.006%). This sequence change replaces arginine, which is basic and polar, with cysteine, which is neutral and slightly polar, at codon 988 of the MORC2 protein (p.Arg988Cys).